The following is an entry in ClinVar:

NM_173660.5(DOK7):c.1208C>G (p.Ala403Gly)

Gene: DOK7 (docking protein 7; plus strand). Cytogenetic location: 4p16.3.
Variant type: single nucleotide variant.
Coding change: c.1208C>G on transcript NM_173660.5 (MANE Select); coding-DNA position 1208, C replaced by G.
Protein change: p.Ala403Gly; replaces alanine 403 with glycine.
Molecular consequence: missense variant. On other transcripts: 3 prime UTR variant (1).
Genome position (GRCh38, 1-based): chr4:3,493,194, C>G. VCF-style: chr4-3493194-C-G. GRCh37 (hg19) VCF-style: chr4-3494921-C-G.
Other names: c.*429C>G (NM_001164673.2); c.278C>G, p.Ala93Gly (NM_001256896.2); c.1208C>G, p.Ala403Gly (NM_001301071.2); c.776C>G, p.Ala259Gly (NM_001363811.2); c.1208C>G (NM_173660.4); short protein forms A259G, A403G, A93G.
Identifiers: ClinVar variation 1910757 (VCV001910757.4), dbSNP rs972398982, ClinGen allele CA91557091.

ClinVar aggregate classification (germline): Uncertain significance. Review status: criteria provided, multiple submitters, no conflicts (2 of 4 stars). 2 submissions from 2 submitters: Uncertain significance (2). Last evaluated 2025-08-18.

Conditions:
Inborn genetic diseases. Identifiers: MedGen C0950123, MeSH D030342.
Fetal akinesia deformation sequence 1 (FADS1). Also called: Fetal akinesia sequence; Pena-Shokeir syndrome type I. Identifiers: Orphanet 994, MedGen C1276035, MONDO:0100101, OMIM 208150, HP:0001989.
Congenital myasthenic syndrome 10. Also called: Myasthenia, limb-girdle, familial. Identifiers: Orphanet 590, MedGen C1850792, MONDO:0009690, OMIM 254300.

gnomAD v4.1: 5 of 1,611,104 alleles (0.00031%); highest among the groups gnomAD compares: Admixed American, 0.0033%; no homozygotes.

Submissions (2):

Labcorp Genetics (formerly Invitae), Labcorp
Classification: Uncertain significance for Congenital myasthenic syndrome 10; Fetal akinesia deformation sequence 1. Last evaluated: 2025-08-18. Review status: criteria provided, single submitter. Criteria: Invitae Variant Classification Sherloc (09022015). Collection method: clinical testing. Allele origin: germline.
Comment: This sequence change replaces alanine, which is neutral and non-polar, with glycine, which is neutral and non-polar, at codon 403 of the DOK7 protein (p.Ala403Gly). This variant is present in population databases (no rsID available, gnomAD 0.006%). This variant has not been reported in the literature in individuals affected with DOK7-related conditions. ClinVar contains an entry for this variant (Variation ID: 1910757). Invitae Evidence Modeling of protein sequence and biophysical properties (such as structural, functional, and spatial information, amino acid conservation, physicochemical variation, residue mobility, and thermodynamic stability) indicates that this missense variant is not expected to disrupt DOK7 protein function with a negative predictive value of 80%. In summary, the available evidence is currently insufficient to determine the role of this variant in disease. Therefore, it has been classified as a Variant of Uncertain Significance.

Ambry Genetics
Classification: Uncertain significance for Inborn genetic diseases. Last evaluated: 2025-04-01. Review status: criteria provided, single submitter. Criteria: Ambry Variant Classification Scheme 2023. Collection method: clinical testing. Allele origin: germline.